The following is an entry in ClinVar:

ClinVar aggregate classification (germline): Conflicting classifications of pathogenicity. Review status: criteria provided, conflicting classifications (1 of 4 stars). 4 submissions from 4 submitters: Uncertain significance (3); Likely benign (1). Last evaluated 2025-03-04.

Conditions:
Hereditary breast ovarian cancer syndrome. Also called: Hereditary breast and ovarian cancer; Hereditary breast and/or ovarian cancer syndrome; Hereditary breast and ovarian cancer syndrome; Hereditary breast and ovarian cancer syndrome (HBOC); Breast and ovarian cancer; BRCA1- and BRCA2-Associated Hereditary Breast and Ovarian Cancer. Identifiers: Orphanet 145, MedGen C0677776, MeSH D061325, MONDO:0003582. Disease mechanism: loss of function.

Allele frequency attached by ClinVar (database versions not stated): gnomAD exomes below 0.00001.

Submissions (4):

Center for Genomic Medicine, Rigshospitalet, Copenhagen University Hospital
Classification: Likely benign. Last evaluated: 2025-03-04. Review status: criteria provided, single submitter. Criteria: ACMG Guidelines, 2015. Collection method: clinical testing. Allele origin: germline.

GeneDx
Classification: Uncertain significance. Last evaluated: 2024-10-01. Review status: criteria provided, single submitter. Criteria: GeneDx Variant Classification Process June 2021. Collection method: clinical testing. Allele origin: germline. Affected: yes.
Comment: Not observed at significant frequency in large population cohorts (gnomAD); In silico analysis indicates that this missense variant does not alter protein structure/function; Has not been previously published as pathogenic or benign to our knowledge; Also known as 7918A>C; This variant is associated with the following publications: (PMID: 12228710)

Labcorp Genetics (formerly Invitae), Labcorp
Classification: Uncertain significance for Hereditary breast ovarian cancer syndrome. Last evaluated: 2023-03-18. Review status: criteria provided, single submitter. Criteria: Invitae Variant Classification Sherloc (09022015). Collection method: clinical testing. Allele origin: germline.
Comment: In summary, the available evidence is currently insufficient to determine the role of this variant in disease. Therefore, it has been classified as a Variant of Uncertain Significance. Advanced modeling of protein sequence and biophysical properties (such as structural, functional, and spatial information, amino acid conservation, physicochemical variation, residue mobility, and thermodynamic stability) performed at Invitae indicates that this missense variant is not expected to disrupt BRCA2 protein function. ClinVar contains an entry for this variant (Variation ID: 954467). This variant has not been reported in the literature in individuals affected with BRCA2-related conditions. This variant is not present in population databases (gnomAD no frequency). This sequence change replaces threonine, which is neutral and polar, with proline, which is neutral and non-polar, at codon 2564 of the BRCA2 protein (p.Thr2564Pro).

Clinical Genetics Laboratory, Skane University Hospital Lund
Classification: Uncertain significance. Last evaluated: 2022-11-07. Review status: criteria provided, single submitter. Criteria: ACMG Guidelines, 2015. Collection method: clinical testing. Allele origin: germline. Affected: yes.

NM_000059.4(BRCA2):c.7690A>C (p.Thr2564Pro)

Gene: BRCA2 (BRCA2 DNA repair associated; plus strand). Cytogenetic location: 13q13.1.
Variant type: single nucleotide variant.
Coding change: c.7690A>C on transcript NM_000059.4 (MANE Select); coding-DNA position 7690, A replaced by C.
Protein change: p.Thr2564Pro; replaces threonine 2564 with proline.
Molecular consequence: missense variant.
Genome position (GRCh38, 1-based): chr13:32,357,814, A>C. VCF-style: chr13-32357814-A-C. GRCh37 (hg19) VCF-style: chr13-32931951-A-C.
Other names: short protein forms T2564P.
Identifiers: ClinVar variation 954467 (VCV000954467.13), dbSNP rs2072709406, ClinGen allele CA387745185.
Genomic context (GRCh38, chr13:32,357,814, plus strand): 5'-GGCGTTTCTAAACATTGCATAAAAATTAACAGCAAAAATGCAGAGTCTTTTCAGTTTCAC[A>C]CTGAAGATTATTTTGGTAAGGAAAGTTTATGGACTGGAAAAGGAATACAGTTGGCTGATG-3'
Protein context (NP_000050.3, residues 2554-2574): SKNAESFQFH[Thr2564Pro]EDYFGKESLW